The following is an entry in ClinVar:

NM_006096.4(NDRG1):c.521A>T (p.Asp174Val)

Gene: NDRG1 (N-myc downstream regulated 1; minus strand). Cytogenetic location: 8q24.22.
Variant type: single nucleotide variant.
Coding change: c.521A>T on transcript NM_006096.4 (MANE Select); coding-DNA position 521, A replaced by T.
Protein change: p.Asp174Val; replaces aspartic acid 174 with valine.
Molecular consequence: missense variant.
Genome position (GRCh38, 1-based): chr8:133,256,793, T>A on the plus strand (A>T on the coding strand, the complement: NDRG1 is on the minus strand). VCF-style: chr8-133256793-T-A. GRCh37 (hg19) VCF-style: chr8-134269036-T-A.
Other names: c.521A>T, p.Asp174Val (NM_001135242.2, NM_001374844.1, NM_001374845.1 and 1 more transcripts); c.323A>T, p.Asp108Val (NM_001258432.2, NM_001374847.1); c.278A>T, p.Asp93Val (NM_001258433.2); short protein forms D108V, D174V, D93V.
Identifiers: ClinVar variation 1926456 (VCV001926456.5), dbSNP rs1002261727, ClinGen allele CA186378271.

ClinVar aggregate classification (germline): Uncertain significance (1 of 4 stars; one submission).

Conditions:
Charcot-Marie-Tooth disease type 4. Also called: Charcot-Marie-Tooth disease, type IV; Charcot-Marie-Tooth, Type 4. Identifiers: Orphanet 64749, MedGen C4082197, MONDO:0018995.

gnomAD v4.1: 1 of 1,614,104 alleles (0.000062%); highest among the groups gnomAD compares: Non-Finnish European, 0.000085%; no homozygotes.

Submission:

Labcorp Genetics (formerly Invitae), Labcorp
Classification: Uncertain significance for Charcot-Marie-Tooth disease type 4. Last evaluated: 2022-01-03. Review status: criteria provided, single submitter. Criteria: Invitae Variant Classification Sherloc (09022015). Collection method: clinical testing. Allele origin: germline.
Comment: In summary, the available evidence is currently insufficient to determine the role of this variant in disease. Therefore, it has been classified as a Variant of Uncertain Significance. Algorithms developed to predict the effect of missense changes on protein structure and function are either unavailable or do not agree on the potential impact of this missense change (SIFT: "Deleterious"; PolyPhen-2: "Possibly Damaging"; Align-GVGD: "Class C0"). This variant has not been reported in the literature in individuals affected with NDRG1-related conditions. This variant is not present in population databases (gnomAD no frequency). This sequence change replaces aspartic acid, which is acidic and polar, with valine, which is neutral and non-polar, at codon 174 of the NDRG1 protein (p.Asp174Val).